The following is an entry in ClinVar:

NM_001382567.1(STIM1):c.1241A>T (p.Gln414Leu)

Gene: STIM1 (stromal interaction molecule 1; plus strand). Cytogenetic location: 11p15.4.
Variant type: single nucleotide variant.
Coding change: c.1241A>T on transcript NM_001382567.1 (MANE Select); coding-DNA position 1241, A replaced by T.
Protein change: p.Gln414Leu; replaces glutamine 414 with leucine.
Molecular consequence: missense variant. On other transcripts: non-coding transcript variant (2).
Genome position (GRCh38, 1-based): chr11:4,083,265, A>T. VCF-style: chr11-4083265-A-T. GRCh37 (hg19) VCF-style: chr11-4104495-A-T.
Other names: c.1241A>T, p.Gln414Leu (NM_001277961.3, NM_001277962.2, NM_003156.4); c.1019A>T, p.Gln340Leu (NM_001382566.1, NM_001382573.1, NM_001382575.1 and 4 more transcripts); c.1262A>T, p.Gln421Leu (NM_001382568.1); c.1106A>T, p.Gln369Leu (NM_001382569.1); c.1013A>T, p.Gln338Leu (NM_001382570.1); c.761A>T, p.Gln254Leu (NM_001382571.1); c.752A>T, p.Gln251Leu (NM_001382580.1, NM_001382581.1); short protein forms Q254L, Q421L, Q251L, Q338L, Q340L, Q369L, Q414L.
Identifiers: ClinVar variation 4782372 (VCV004782372.1).
Genomic context (GRCh38, chr11:4,083,265, plus strand): 5'-ATTCCTATTGGGGCTCACACCAAGTCCATGCCTGCAGTTCTCTTTCCTCTGTCTTCAGGC[A>T]AGCACTGAGCGAGGTGACAGCAGCATTGCGGGAGCGCCTGCACCGCTGGCAACAGATCGA-3'
Protein context (NP_001369496.1, residues 404-424): DVDHKILTAK[Gln414Leu]ALSEVTAALR

ClinVar aggregate classification (germline): Uncertain significance (1 of 4 stars; one submission).

Conditions:
Stormorken syndrome (STRMK). Also called: THROMBOCYTOPATHY, ASPLENIA, AND MIOSIS. Identifiers: Orphanet 3204, MedGen C1861451, MONDO:0008497, OMIM 185070.
Combined immunodeficiency due to STIM1 deficiency. Also called: IMMUNODEFICIENCY 10; STIM1 DEFICIENCY. Identifiers: Orphanet 169090, Orphanet 317430, MedGen C2748557, MONDO:0013008, OMIM 612783.
Myopathy with tubular aggregates (TAM). Also called: Tubular Aggregate Myopathy. Identifiers: Orphanet 2593, MedGen C0410207, MONDO:0008051.

gnomAD v4.1: 1 of 1,614,022 alleles (0.000062%); highest among the groups gnomAD compares: Non-Finnish European, 0.000085%; no homozygotes.

Submission:

Labcorp Genetics (formerly Invitae), Labcorp
Classification: Uncertain significance for Myopathy with tubular aggregates; Combined immunodeficiency due to STIM1 deficiency; Stormorken syndrome. Last evaluated: 2025-04-13. Review status: criteria provided, single submitter. Criteria: Invitae Variant Classification Sherloc (09022015). Collection method: clinical testing. Allele origin: germline.
Comment: This sequence change replaces glutamine, which is neutral and polar, with leucine, which is neutral and non-polar, at codon 414 of the STIM1 protein (p.Gln414Leu). This variant is not present in population databases (gnomAD no frequency). This variant has not been reported in the literature in individuals affected with STIM1-related conditions. Invitae Evidence Modeling of protein sequence and biophysical properties (such as structural, functional, and spatial information, amino acid conservation, physicochemical variation, residue mobility, and thermodynamic stability) has been performed for this missense variant. However, the output from this modeling did not meet the statistical confidence thresholds required to predict the impact of this variant on STIM1 protein function. In summary, the available evidence is currently insufficient to determine the role of this variant in disease. Therefore, it has been classified as a Variant of Uncertain Significance.